The following is an entry in ClinVar:

ClinVar aggregate classification (germline): Pathogenic (1 of 4 stars; one submission).

Conditions:
UPF3B-related neurodevelopmental disorder.

Submission:

Rady Children's Institute for Genomic Medicine, Rady Children's Hospital San Diego
Classification: Pathogenic for UPF3B-related neurodevelopmental disorder. Last evaluated: 2025-07-21. Review status: criteria provided, single submitter. Criteria: ACMG Guidelines, 2015. Collection method: clinical testing. Allele origin: germline. Affected: yes.
Comment: This frameshifting variant in exon 6 of 11 is predicted to result in loss of normal protein function through either protein truncation or nonsense-mediated mRNA decay. The UPF3B gene is constrained against loss-of-function variation (pLI = 0.98), and loss-of-function variants have been reported in individuals with disease (HGMD, ClinVar database; PMID: 22957832, 38318947). This variant has been previously reported as a hemizygous change in a patient with intellectual disability (PMID: 32005694). The c.617_620del (p.Asn206SerfsTer4) variant is absent from the latest version of the gnomAD population database and thus is presumed to be rare. Based on parental analysis, this variant likely occurred as a de novo event. Based on the available evidence, c.617_620del (p.Asn206SerfsTer4) is classified as Pathogenic.

Literature cited by the submitters: PubMed 32005694.

NM_080632.3(UPF3B):c.617_620del (p.Asn206fs)

Gene: UPF3B (UPF3B regulator of nonsense mediated mRNA decay; minus strand). Cytogenetic location: Xq24.
Variant type: Deletion.
Coding change: c.617_620del on transcript NM_080632.3 (MANE Select); coding-DNA positions 617 to 620, 4 bases deleted (ACAA; older notation c.617_620delACAA).
Protein change: p.Asn206fs; shifts the reading frame from asparagine 206.
Molecular consequence: frameshift variant.
Genome position (GRCh38, 1-based): chrX:119,841,739-119,841,742, TTGT deleted on the plus strand (ACAA on the coding strand, the reverse complement: UPF3B is on the minus strand); deleting any 4 consecutive bases within chrX:119,841,739-119,841,744 gives the same sequence; the c. name uses the placement nearest the transcript's 3' end. VCF-style (leftmost placement, unchanged base first): chrX-119841738-CTTGT-C. GRCh37 (hg19) VCF-style: chrX-118975701-CTTGT-C.
Other names: c.617_620del, p.Asn206fs (NM_023010.4); short protein forms N206fs.
Identifiers: ClinVar variation 4814224 (VCV004814224.1).